The following is an entry in ClinVar:

NM_016239.4(MYO15A):c.9938A>G (p.His3313Arg)

Gene: MYO15A (myosin XVA; plus strand). Cytogenetic location: 17p11.2.
Variant type: single nucleotide variant.
Coding change: c.9938A>G on transcript NM_016239.4 (MANE Select); coding-DNA position 9938, A replaced by G.
Protein change: p.His3313Arg; replaces histidine 3313 with arginine.
Molecular consequence: missense variant.
Genome position (GRCh38, 1-based): chr17:18,166,511, A>G. VCF-style: chr17-18166511-A-G. GRCh37 (hg19) VCF-style: chr17-18069825-A-G.
Other names: short protein forms H3313R.
Identifiers: ClinVar variation 1962341 (VCV001962341.5), dbSNP rs1250472446, ClinGen allele CA398642345.

ClinVar aggregate classification (germline): Uncertain significance (1 of 4 stars; one submission).

Allele frequency attached by ClinVar (database versions not stated): gnomAD 0.00004; TOPMed 0.00005.
gnomAD v4.1: 7 of 1,613,166 alleles (0.00043%); highest among the groups gnomAD compares: Admixed American, 0.012%; no homozygotes.

Submission:

Labcorp Genetics (formerly Invitae), Labcorp
Classification: Uncertain significance. Last evaluated: 2022-08-16. Review status: criteria provided, single submitter. Criteria: Invitae Variant Classification Sherloc (09022015). Collection method: clinical testing. Allele origin: germline.
Comment: In summary, the available evidence is currently insufficient to determine the role of this variant in disease. Therefore, it has been classified as a Variant of Uncertain Significance. Advanced modeling of protein sequence and biophysical properties (such as structural, functional, and spatial information, amino acid conservation, physicochemical variation, residue mobility, and thermodynamic stability) performed at Invitae indicates that this missense variant is not expected to disrupt MYO15A protein function. This missense change has been observed in individual(s) with deafness (Invitae). This variant is present in population databases (no rsID available, gnomAD 0.003%). This sequence change replaces histidine, which is basic and polar, with arginine, which is basic and polar, at codon 3313 of the MYO15A protein (p.His3313Arg).